The following is an entry in ClinVar:

ClinVar aggregate classification (germline): Uncertain significance (1 of 4 stars; one submission).

Conditions:
Neurodegeneration with brain iron accumulation 6 (NBIA6). Also called: COASY protein-associated neurodegeneration. Identifiers: Orphanet 397725, MedGen C4517377, MONDO:0014290, OMIM 615643.

Allele frequency attached by ClinVar (database versions not stated): gnomAD 0.00005; ExAC 0.00006.
gnomAD v4.1: 24 of 1,614,070 alleles (0.0015%); highest among the groups gnomAD compares: East Asian, 0.038%; no homozygotes.

Submission:

Labcorp Genetics (formerly Invitae), Labcorp
Classification: Uncertain significance for Neurodegeneration with brain iron accumulation 6. Last evaluated: 2022-05-08. Review status: criteria provided, single submitter. Criteria: Invitae Variant Classification Sherloc (09022015). Collection method: clinical testing. Allele origin: germline.
Comment: In summary, the available evidence is currently insufficient to determine the role of this variant in disease. Therefore, it has been classified as a Variant of Uncertain Significance. Algorithms developed to predict the effect of missense changes on protein structure and function (SIFT, PolyPhen-2, Align-GVGD) all suggest that this variant is likely to be tolerated. This variant has not been reported in the literature in individuals affected with COASY-related conditions. This variant is present in population databases (rs768824427, gnomAD 0.06%). This sequence change replaces alanine, which is neutral and non-polar, with proline, which is neutral and non-polar, at codon 509 of the COASY protein (p.Ala509Pro).

NM_025233.7(COASY):c.1525G>C (p.Ala509Pro)

Gene: COASY (Coenzyme A synthase; plus strand). Cytogenetic location: 17q21.2.
Variant type: single nucleotide variant.
Coding change: c.1525G>C on transcript NM_025233.7 (MANE Select); coding-DNA position 1525, G replaced by C.
Protein change: p.Ala509Pro; replaces alanine 509 with proline.
Molecular consequence: missense variant.
Genome position (GRCh38, 1-based): chr17:42,565,698, G>C. VCF-style: chr17-42565698-G-C. GRCh37 (hg19) VCF-style: chr17-40717716-G-C.
Other names: c.1525G>C, p.Ala509Pro (NM_001042529.3); c.1612G>C, p.Ala538Pro (NM_001042532.4); short protein forms A538P, A509P.
Identifiers: ClinVar variation 2061629 (VCV002061629.3), dbSNP rs768824427, ClinGen allele CA8578382.